The following is an entry in ClinVar:

ClinVar aggregate classification (germline): Conflicting classifications of pathogenicity. Review status: criteria provided, conflicting classifications (1 of 4 stars). 2 submissions from 2 submitters: Uncertain significance (1); Likely benign (1). Last evaluated 2024-10-17.

Allele frequency attached by ClinVar (database versions not stated): TOPMed 0.00001.
gnomAD v4.1: 11 of 1,614,142 alleles (0.00068%); highest among the groups gnomAD compares: South Asian, 0.0011%; no homozygotes.

Submissions (2):

Women's Health and Genetics/Laboratory Corporation of America, LabCorp
Classification: Uncertain significance. Last evaluated: 2024-10-17. Review status: criteria provided, single submitter. Criteria: LabCorp Variant Classification Summary - May 2015. Collection method: clinical testing. Allele origin: germline.
Comment: Variant summary: HECW2 c.1160G>A (p.Arg387Lys) results in a conservative amino acid change in the encoded protein sequence. Two of three in-silico tools predict a benign effect of the variant on protein function. The variant allele was found at a frequency of 8e-06 in 251472 control chromosomes (gnomAD). The available data on variant occurrences in the general population are insufficient to allow any conclusion about variant significance. To our knowledge, no occurrence of c.1160G>A in individuals affected with Neurodevelopmental Disorder With Hypotonia, Seizures, And Absent Language and no experimental evidence demonstrating its impact on protein function have been reported. ClinVar contains an entry for this variant (Variation ID: 450102). Based on the evidence outlined above, the variant was classified as uncertain significance.

GeneDx
Classification: Likely benign. Last evaluated: 2019-04-18. Review status: criteria provided, single submitter. Criteria: GeneDx Variant Classification Process June 2021. Collection method: clinical testing. Allele origin: germline. Affected: yes.
Comment: Has not been previously published as pathogenic or benign to our knowledge; In silico analysis, which includes protein predictors and evolutionary conservation, supports that this variant does not alter protein structure/function

NM_001348768.2(HECW2):c.1160G>A (p.Arg387Lys)

Gene: HECW2 (HECT, C2 and WW domain containing E3 ubiquitin protein ligase 2; minus strand). Cytogenetic location: 2q32.3.
Variant type: single nucleotide variant.
Coding change: c.1160G>A on transcript NM_001348768.2 (MANE Select); coding-DNA position 1160, G replaced by A.
Protein change: p.Arg387Lys; replaces arginine 387 with lysine.
Molecular consequence: missense variant.
Genome position (GRCh38, 1-based): chr2:196,319,730, C>T on the plus strand (G>A on the coding strand, the complement: HECW2 is on the minus strand). VCF-style: chr2-196319730-C-T. GRCh37 (hg19) VCF-style: chr2-197184454-C-T.
Other names: c.92G>A, p.Arg31Lys (NM_001304840.3); c.1160G>A, p.Arg387Lys (NM_020760.4); short protein forms R387K, R31K.
Identifiers: ClinVar variation 450102 (VCV000450102.4), dbSNP rs770779546, ClinGen allele CA349966815.